The following is an entry in ClinVar:

NM_020631.6(PLEKHG5):c.1736C>T (p.Pro579Leu)

Gene: PLEKHG5 (pleckstrin homology and RhoGEF domain containing G5; minus strand). Cytogenetic location: 1p36.31.
Variant type: single nucleotide variant.
Coding change: c.1736C>T on transcript NM_020631.6 (MANE Select); coding-DNA position 1736, C replaced by T.
Protein change: p.Pro579Leu; replaces proline 579 with leucine.
Molecular consequence: missense variant.
Genome position (GRCh38, 1-based): chr1:6,470,300, G>A on the plus strand (C>T on the coding strand, the complement: PLEKHG5 is on the minus strand). VCF-style: chr1-6470300-G-A. GRCh37 (hg19) VCF-style: chr1-6530360-G-A.
Other names: c.1736C>T, p.Pro579Leu (NM_198681.4, NM_001042664.2, NM_001042665.2 and 1 more transcripts); c.1847C>T, p.Pro616Leu (NM_001042663.3, NM_001265592.2); c.1943C>T, p.Pro648Leu (NM_001265593.2); short protein forms P579L, P648L, P616L.
Identifiers: ClinVar variation 580820 (VCV000580820.6), dbSNP rs757727499, ClinGen allele CA561388.

ClinVar aggregate classification (germline): Uncertain significance (1 of 4 stars; one submission).

Conditions:
Neuronopathy, distal hereditary motor, autosomal recessive 4. Also called: Autosomal recessive lower motor neuron disease with childhood onset; NEUROPATHY, DISTAL HEREDITARY MOTOR, AUTOSOMAL RECESSIVE 4. Identifiers: Orphanet 206580, MedGen C1970211, MONDO:0012608, OMIM 611067.
Charcot-Marie-Tooth disease recessive intermediate C. Also called: CHARCOT-MARIE-TOOTH NEUROPATHY, RECESSIVE INTERMEDIATE C. Identifiers: Orphanet 369867, MedGen C3809309, MONDO:0014154, OMIM 615376.

Allele frequency attached by ClinVar (database versions not stated): gnomAD 0.00001 and 0.00003; TOPMed 0.00001; ExAC 0.00002.
gnomAD v4.1: 11 of 1,613,854 alleles (0.00068%); highest among the groups gnomAD compares: Admixed American, 0.0033%; no homozygotes.

Submission:

Labcorp Genetics (formerly Invitae), Labcorp
Classification: Uncertain significance for Neuronopathy, distal hereditary motor, autosomal recessive 4; Charcot-Marie-Tooth disease recessive intermediate C. Last evaluated: 2022-08-09. Review status: criteria provided, single submitter. Criteria: Invitae Variant Classification Sherloc (09022015). Collection method: clinical testing. Allele origin: germline.
Comment: This sequence change replaces proline, which is neutral and non-polar, with leucine, which is neutral and non-polar, at codon 579 of the PLEKHG5 protein (p.Pro579Leu). This variant is present in population databases (rs757727499, gnomAD 0.006%). This variant has not been reported in the literature in individuals affected with PLEKHG5-related conditions. ClinVar contains an entry for this variant (Variation ID: 580820). Algorithms developed to predict the effect of missense changes on protein structure and function output the following: SIFT: "Deleterious"; PolyPhen-2: "Benign"; Align-GVGD: "Class C35". The leucine amino acid residue is found in multiple mammalian species, which suggests that this missense change does not adversely affect protein function. In summary, the available evidence is currently insufficient to determine the role of this variant in disease. Therefore, it has been classified as a Variant of Uncertain Significance.